The following is an entry in ClinVar:

ClinVar aggregate classification (germline): Likely pathogenic (1 of 4 stars; one submission).

Submission:

GeneDx
Classification: Likely pathogenic. Last evaluated: 2024-10-07. Review status: criteria provided, single submitter. Criteria: GeneDx Variant Classification Process June 2021. Collection method: clinical testing. Allele origin: germline. Affected: yes.
Comment: Stop codon loss and change to a arginine codon, leading to protein extension and the addition of 12 amino acids at the C-terminus in a gene for which protein extension is a known mechanism of disease; Not observed at significant frequency in large population cohorts (gnomAD); This variant is associated with the following publications: (PMID: 22508176)

NM_000297.4(PKD2):c.2905T>C (p.Ter969Arg)

Gene: PKD2 (polycystin 2, transient receptor potential cation channel; plus strand). Cytogenetic location: 4q22.1.
Variant type: single nucleotide variant.
Coding change: c.2905T>C on transcript NM_000297.4 (MANE Select); coding-DNA position 2905, T replaced by C.
Protein change: p.Ter969Arg.
Molecular consequence: stop lost. On other transcripts: non-coding transcript variant (1).
Genome position (GRCh38, 1-based): chr4:88,075,692, T>C. VCF-style: chr4-88075692-T-C. GRCh37 (hg19) VCF-style: chr4-88996844-T-C.
Identifiers: ClinVar variation 3776666 (VCV003776666.1).
Genomic context (GRCh38, chr4:88,075,692, plus strand): 5'-TCCCAATCTACAGAAGGCATGGAAGGTGCAGGTGGAAATGGGAGTTCTAATGTCCACGTA[T>C]GATATGTGTGTTTCAGTATGTGTGTTTCTAATAAGTGAGGAAGTGGCTGTCCTGAATTGC-3'